The following is an entry in ClinVar:

NM_020191.4(MRPS22):c.10C>T (p.Leu4Phe)

Gene: MRPS22 (mitochondrial ribosomal protein S22; plus strand). Cytogenetic location: 3q23.
Variant type: single nucleotide variant.
Coding change: c.10C>T on transcript NM_020191.4 (MANE Select); coding-DNA position 10, C replaced by T.
Protein change: p.Leu4Phe; replaces leucine 4 with phenylalanine.
Molecular consequence: missense variant.
Genome position (GRCh38, 1-based): chr3:139,344,036, C>T. VCF-style: chr3-139344036-C-T. GRCh37 (hg19) VCF-style: chr3-139062878-C-T.
Other names: c.10C>T, p.Leu4Phe (NM_001363893.1); c.10C>T (NM_020191.2); short protein forms L4F.
Identifiers: ClinVar variation 2182167 (VCV002182167.5), dbSNP rs767937958, ClinGen allele CA2640587.

ClinVar aggregate classification (germline): Uncertain significance. Review status: criteria provided, multiple submitters, no conflicts (2 of 4 stars). 2 submissions from 2 submitters: Uncertain significance (2). Last evaluated 2025-10-30.

Conditions:
Inborn genetic diseases. Identifiers: MedGen C0950123, MeSH D030342.

Allele frequency attached by ClinVar (database versions not stated): gnomAD 0.00001; gnomAD exomes 0.00001; TOPMed 0.00001; ExAC 0.00002.
gnomAD v4.1: 16 of 1,614,068 alleles (0.00099%); highest among the groups gnomAD compares: Admixed American, 0.015%; no homozygotes.

Submissions (2):

Ambry Genetics
Classification: Uncertain significance for Inborn genetic diseases. Last evaluated: 2025-10-30. Review status: criteria provided, single submitter. Criteria: Ambry Variant Classification Scheme 2023. Collection method: clinical testing. Allele origin: germline.

Labcorp Genetics (formerly Invitae), Labcorp
Classification: Uncertain significance. Last evaluated: 2023-12-11. Review status: criteria provided, single submitter. Criteria: Invitae Variant Classification Sherloc (09022015). Collection method: clinical testing. Allele origin: germline.
Comment: This sequence change replaces leucine, which is neutral and non-polar, with phenylalanine, which is neutral and non-polar, at codon 4 of the MRPS22 protein (p.Leu4Phe). This variant is present in population databases (rs767937958, gnomAD 0.02%). This variant has not been reported in the literature in individuals affected with MRPS22-related conditions. ClinVar contains an entry for this variant (Variation ID: 2182167). Algorithms developed to predict the effect of missense changes on protein structure and function output the following: SIFT: "Not Available"; PolyPhen-2: "Benign"; Align-GVGD: "Not Available". The phenylalanine amino acid residue is found in multiple mammalian species, which suggests that this missense change does not adversely affect protein function. In summary, the available evidence is currently insufficient to determine the role of this variant in disease. Therefore, it has been classified as a Variant of Uncertain Significance.